The following is an entry in ClinVar:

NM_001127222.2(CACNA1A):c.2549G>A (p.Gly850Asp)

Gene: CACNA1A (calcium voltage-gated channel subunit alpha1 A; minus strand). Cytogenetic location: 19p13.13.
Variant type: single nucleotide variant.
Coding change: c.2549G>A on transcript NM_001127222.2 (MANE Select); coding-DNA position 2549, G replaced by A.
Protein change: p.Gly850Asp; replaces glycine 850 with aspartic acid.
Molecular consequence: missense variant.
Genome position (GRCh38, 1-based): chr19:13,299,084, C>T on the plus strand (G>A on the coding strand, the complement: CACNA1A is on the minus strand). VCF-style: chr19-13299084-C-T. GRCh37 (hg19) VCF-style: chr19-13409898-C-T.
Other names: c.2561G>A, p.Gly854Asp (NM_000068.4, NM_023035.3); c.2552G>A, p.Gly851Asp (NM_001127221.2, NM_001174080.2); short protein forms G850D, G851D, G854D.
Identifiers: ClinVar variation 1699665 (VCV001699665.2), dbSNP rs2144956644, ClinGen allele CA404343210.

ClinVar aggregate classification (germline): Uncertain significance (1 of 4 stars; one submission).

Submission:

GeneDx
Classification: Uncertain significance. Last evaluated: 2022-02-01. Review status: criteria provided, single submitter. Criteria: GeneDx Variant Classification Process June 2021. Collection method: clinical testing. Allele origin: germline. Affected: yes.
Comment: Not observed at significant frequency in large population cohorts (gnomAD); In silico analysis supports that this missense variant does not alter protein structure/function; Has not been previously published as pathogenic or benign to our knowledge